The following is an entry in ClinVar:

NM_000169.3(GLA):c.1043C>A (p.Ala348Asp)

Genes: GLA (galactosidase alpha; minus strand), RPL36A-HNRNPH2 (RPL36A-HNRNPH2 readthrough; plus strand). Cytogenetic location: Xq22.1.
Variant type: single nucleotide variant.
Coding change: c.1043C>A on transcript NM_000169.3 (MANE Select); coding-DNA position 1043, C replaced by A.
Protein change: p.Ala348Asp; replaces alanine 348 with aspartic acid.
Molecular consequence: missense variant. On other transcripts: non-coding transcript variant (3), intron variant (2).
Genome position (GRCh38, 1-based): chrX:101,398,056, G>T on the plus strand (C>A on the coding strand, the complement: GLA is on the minus strand). VCF-style: chrX-101398056-G-T. GRCh37 (hg19) VCF-style: chrX-100653044-G-T.
Other names: c.1166C>A, p.Ala389Asp (NM_001406747.1); c.300+2599G>T (NM_001199973.2); c.177+6234G>T (NM_001199974.2); short protein forms A389D, A348D.
Identifiers: ClinVar variation 2752223 (VCV002752223.3), dbSNP rs2520854105, ClinGen allele CA413921108.

ClinVar aggregate classification (germline): Uncertain significance (1 of 4 stars; one submission).

Conditions:
Fabry disease. Also called: Fabry's disease; ALPHA-GALACTOSIDASE A DEFICIENCY; ANDERSON-FABRY DISEASE; CERAMIDE TRIHEXOSIDASE DEFICIENCY; GLA DEFICIENCY; HEREDITARY DYSTOPIC LIPIDOSIS. Identifiers: Orphanet 324, MedGen C0002986, MONDO:0010526, OMIM 301500, HP:0001071. Disease mechanism: Fabry disease is due to inactivating mutations in the X-linked GLA gene resulting in deficiency of the enzyme Alpha Galactosidase-A., loss of function.

Submission:

Labcorp Genetics (formerly Invitae), Labcorp
Classification: Uncertain significance for Fabry disease. Last evaluated: 2023-08-11. Review status: criteria provided, single submitter. Criteria: Invitae Variant Classification Sherloc (09022015). Collection method: clinical testing. Allele origin: germline.
Comment: In summary, the available evidence is currently insufficient to determine the role of this variant in disease. Therefore, it has been classified as a Variant of Uncertain Significance. This sequence change replaces alanine, which is neutral and non-polar, with aspartic acid, which is acidic and polar, at codon 348 of the GLA protein (p.Ala348Asp). This variant is not present in population databases (gnomAD no frequency). This variant has not been reported in the literature in individuals affected with GLA-related conditions. Advanced modeling of protein sequence and biophysical properties (such as structural, functional, and spatial information, amino acid conservation, physicochemical variation, residue mobility, and thermodynamic stability) performed at Invitae indicates that this missense variant is not expected to disrupt GLA protein function.